The following is an entry in ClinVar:

ClinVar aggregate classification (germline): Uncertain significance (1 of 4 stars; one submission).

Conditions:
Inborn genetic diseases. Identifiers: MedGen C0950123, MeSH D030342.

Submission:

Ambry Genetics
Classification: Uncertain significance for Inborn genetic diseases. Last evaluated: 2024-07-13. Review status: criteria provided, single submitter. Criteria: Ambry Variant Classification Scheme 2023. Collection method: clinical testing. Allele origin: germline.
Comment: The p.L777M variant (also known as c.2329C>A), located in coding exon 15 of the EPAS1 gene, results from a C to A substitution at nucleotide position 2329. The leucine at codon 777 is replaced by methionine, an amino acid with highly similar properties. This amino acid position is conserved. In addition, this alteration is predicted to be tolerated by in silico analysis. Since supporting evidence is limited at this time, the clinical significance of this alteration remains unclear.

NM_001430.5(EPAS1):c.2329C>A (p.Leu777Met)

Gene: EPAS1 (endothelial PAS domain protein 1; plus strand). Cytogenetic location: 2p21.
Variant type: single nucleotide variant.
Coding change: c.2329C>A on transcript NM_001430.5 (MANE Select); coding-DNA position 2329, C replaced by A.
Protein change: p.Leu777Met; replaces leucine 777 with methionine.
Molecular consequence: missense variant.
Genome position (GRCh38, 1-based): chr2:46,382,466, C>A. VCF-style: chr2-46382466-C-A. GRCh37 (hg19) VCF-style: chr2-46609605-C-A.
Other names: short protein forms L777M.
Identifiers: ClinVar variation 1789682 (VCV001789682.3), dbSNP rs1359625696, ClinGen allele CA346706031.
Genomic context (GRCh38, chr2:46,382,466, plus strand): 5'-TCTGACTTTGGTCTTTCAGATAAGTTCACCCAAAACCCCATGAGGGGCCTGGGCCATCCC[C>A]TGAGACATCTGCCGCTGCCACAGCCTCCATCTGCCATCAGTCCCGGGGAGAACAGCAAGA-3'
Protein context (NP_001421.2, residues 767-787): QNPMRGLGHP[Leu777Met]RHLPLPQPPS